The following is an entry in ClinVar:

ClinVar aggregate classification (germline): Uncertain significance (1 of 4 stars; one submission).

Submission:

Labcorp Genetics (formerly Invitae), Labcorp
Classification: Uncertain significance. Last evaluated: 2025-07-23. Review status: criteria provided, single submitter. Criteria: Invitae Variant Classification Sherloc (09022015). Collection method: clinical testing. Allele origin: germline.
Comment: This sequence change replaces aspartic acid, which is acidic and polar, with asparagine, which is neutral and polar, at codon 1294 of the IGF1R protein (p.Asp1294Asn). This variant is not present in population databases (gnomAD no frequency). This variant has not been reported in the literature in individuals affected with IGF1R-related conditions. Invitae Evidence Modeling of protein sequence and biophysical properties (such as structural, functional, and spatial information, amino acid conservation, physicochemical variation, residue mobility, and thermodynamic stability) indicates that this missense variant is not expected to disrupt IGF1R protein function with a negative predictive value of 80%. In summary, the available evidence is currently insufficient to determine the role of this variant in disease. Therefore, it has been classified as a Variant of Uncertain Significance.

NM_000875.5(IGF1R):c.3880G>A (p.Asp1294Asn)

Gene: IGF1R (insulin like growth factor 1 receptor; plus strand). Cytogenetic location: 15q26.3.
Variant type: single nucleotide variant.
Coding change: c.3880G>A on transcript NM_000875.5 (MANE Select); coding-DNA position 3880, G replaced by A.
Protein change: p.Asp1294Asn; replaces aspartic acid 1294 with asparagine.
Molecular consequence: missense variant.
Genome position (GRCh38, 1-based): chr15:98,957,218, G>A. VCF-style: chr15-98957218-G-A. GRCh37 (hg19) VCF-style: chr15-99500447-G-A.
Other names: c.3877G>A, p.Asp1293Asn (NM_001291858.2); short protein forms D1294N, D1293N.
Identifiers: ClinVar variation 4704498 (VCV004704498.1).
Genomic context (GRCh38, chr15:98,957,218, plus strand): 5'-TTCCGGGAGGTCTCCTTCTACTACAGCGAGGAGAACAAGCTGCCCGAGCCGGAGGAGCTG[G>A]ACCTGGAGCCAGAGAACATGGAGAGCGTCCCCCTGGACCCCTCGGCCTCCTCGTCCTCCC-3'
Protein context (NP_000866.1, residues 1284-1304): ENKLPEPEEL[Asp1294Asn]LEPENMESVP